The following is an entry in ClinVar:

ClinVar aggregate classification (germline): Uncertain significance (1 of 4 stars; one submission).

Allele frequency attached by ClinVar (database versions not stated): gnomAD exomes below 0.00001.

Submission:

GeneDx
Classification: Uncertain significance. Last evaluated: 2023-05-24. Review status: criteria provided, single submitter. Criteria: GeneDx Variant Classification Process June 2021. Collection method: clinical testing. Allele origin: germline.
Comment: Not observed at significant frequency in large population cohorts (gnomAD); In silico analysis supports that this missense variant has a deleterious effect on protein structure/function; Has not been previously published as pathogenic or benign to our knowledge

NM_005334.3(HCFC1):c.745G>A (p.Gly249Arg)

Gene: HCFC1 (host cell factor C1; minus strand). Cytogenetic location: Xq28.
Variant type: single nucleotide variant.
Coding change: c.745G>A on transcript NM_005334.3 (MANE Select); coding-DNA position 745, G replaced by A.
Protein change: p.Gly249Arg; replaces glycine 249 with arginine.
Molecular consequence: missense variant.
Genome position (GRCh38, 1-based): chrX:153,962,274, C>T on the plus strand (G>A on the coding strand, the complement: HCFC1 is on the minus strand). VCF-style: chrX-153962274-C-T. GRCh37 (hg19) VCF-style: chrX-153227725-C-T.
Other names: c.745G>A, p.Gly249Arg (NM_001410705.1); short protein forms G249R.
Identifiers: ClinVar variation 1712718 (VCV001712718.3), dbSNP rs2521698280, ClinGen allele CA415146316.